The following is an entry in ClinVar:

ClinVar aggregate classification (germline): Uncertain significance (1 of 4 stars; one submission).

Submission:

GeneDx
Classification: Uncertain significance. Last evaluated: 2024-09-05. Review status: criteria provided, single submitter. Criteria: GeneDx Variant Classification Process June 2021. Collection method: clinical testing. Allele origin: germline. Affected: yes.
Comment: Not observed at significant frequency in large population cohorts (gnomAD); In silico analysis supports that this missense variant has a deleterious effect on protein structure/function; In silico analysis supports a deleterious effect on splicing; Has not been previously published as pathogenic or benign to our knowledge

NM_001846.4(COL4A2):c.3562G>A (p.Gly1188Ser)

Gene: COL4A2 (collagen type IV alpha 2 chain; plus strand). Cytogenetic location: 13q34.
Variant type: single nucleotide variant.
Coding change: c.3562G>A on transcript NM_001846.4 (MANE Select); coding-DNA position 3562, G replaced by A.
Protein change: p.Gly1188Ser; replaces glycine 1188 with serine.
Molecular consequence: missense variant.
Genome position (GRCh38, 1-based): chr13:110,492,177, G>A. VCF-style: chr13-110492177-G-A. GRCh37 (hg19) VCF-style: chr13-111144524-G-A.
Other names: short protein forms G1188S.
Identifiers: ClinVar variation 3767403 (VCV003767403.1).